The following is an entry in ClinVar:

ClinVar aggregate classification (germline): Likely benign (1 of 4 stars; one submission).

Allele frequency attached by ClinVar (database versions not stated): gnomAD exomes 0.00001.
gnomAD v4.1: 25 of 1,613,982 alleles (0.0015%); highest among the groups gnomAD compares: Non-Finnish European, 0.0018%; no homozygotes.

Submission:

CeGaT Center for Human Genetics Tuebingen
Classification: Likely benign. Last evaluated: 2023-04-01. Review status: criteria provided, single submitter. Criteria: CeGaT Center For Human Genetics Tuebingen Variant Classification Criteria Version 2. Collection method: clinical testing. Allele origin: germline. Affected: yes. Observed: 1 variant allele.
Comment: ERAP2: PM2:Supporting, BP4, BP7

NM_022350.5(ERAP2):c.909A>G (p.Ser303=)

Genes: ERAP1 (endoplasmic reticulum aminopeptidase 1; minus strand), ERAP2 (endoplasmic reticulum aminopeptidase 2; plus strand). Cytogenetic location: 5q15.
Variant type: single nucleotide variant.
Coding change: c.909A>G on transcript NM_022350.5 (MANE Select); coding-DNA position 909, A replaced by G.
Protein change: p.Ser303=; no amino-acid change (serine 303 retained).
Molecular consequence: synonymous variant.
Genome position (GRCh38, 1-based): chr5:96,889,244, A>G. VCF-style: chr5-96889244-A-G. GRCh37 (hg19) VCF-style: chr5-96224948-A-G.
Other names: c.909A>G, p.Ser303= (NM_001130140.3, NM_001329233.2); c.774A>G, p.Ser258= (NM_001329229.2).
Identifiers: ClinVar variation 2655601 (VCV002655601.24), dbSNP rs946685163, ClinGen allele CA122997491.
Genomic context (GRCh38, chr5:96,889,244, plus strand): 5'-GGTGTCCATCTATGCATCCCCAGACAAACGGAATCAAACACATTATGCTTTGCAGGCATC[A>G]CTGAAGCTACTTGATTTTTATGAAAAGTACTTTGATATCTACTATCCACTCTCCAAACTG-3'
Protein context (NP_071745.1, residues 293-313): RNQTHYALQA[Ser303=]LKLLDFYEKY